The following is an entry in ClinVar:

NM_000132.4(F8):c.1331_1332delinsC (p.Lys444fs)

Gene: F8 (coagulation factor VIII; minus strand). Cytogenetic location: Xq28.
Variant type: Indel.
Coding change: c.1331_1332delinsC on transcript NM_000132.4 (MANE Select); coding-DNA positions 1331 to 1332, AA replaced by C.
Protein change: p.Lys444fs; shifts the reading frame from lysine 444.
Molecular consequence: frameshift variant.
Genome position (GRCh38, 1-based): chrX:154,966,081-154,966,082, TT replaced by G on the plus strand (AA replaced by C on the coding strand, the reverse complement: F8 is on the minus strand). VCF-style: chrX-154966081-TT-G. GRCh37 (hg19) VCF-style: chrX-154194356-TT-G.
Other names: short protein forms K444fs.
Identifiers: ClinVar variation 3766527 (VCV003766527.1).

ClinVar aggregate classification (germline): Pathogenic (1 of 4 stars; one submission).

Submission:

ARUP Laboratories, Molecular Genetics and Genomics, ARUP Laboratories
Classification: Pathogenic. Last evaluated: 2024-03-21. Review status: criteria provided, single submitter. Criteria: ARUP Molecular Germline Variant Investigation Process 2024. Collection method: clinical testing. Allele origin: germline.
Comment: The F8 c.1331_1332delinsC; p.Lys444ThrfsTer38 variant, to our knowledge, is not reported in the medical literature or gene specific databases. However, a similar variant (c.1331_1333delinsT) has been reported in an individual with hemophilia A (Johnsen 2017). The c.1331_1332delinsC variant is absent from the Genome Aggregation Database (v2.1.1), indicating it is not a common polymorphism. This variant causes a frameshift by deleting two nucleotides and inserting one nucleotide, so it is predicted to result in a truncated protein or mRNA subject to nonsense-mediated decay. Based on available information, this variant is considered to be pathogenic. References: Johnsen JM et al. Novel approach to genetic analysis and results in 3000 hemophilia patients enrolled in the My Life, Our Future initiative. Blood Adv. 2017 May 18;1(13):824-834. PMID: 29296726.